The following is an entry in ClinVar:

ClinVar aggregate classification (germline): Uncertain significance (1 of 4 stars; one submission).

gnomAD v4.1: 1 of 1,614,050 alleles (0.000062%); highest among the groups gnomAD compares: Non-Finnish European, 0.000085%; no homozygotes.

Submission:

Women's Health and Genetics/Laboratory Corporation of America, LabCorp
Classification: Uncertain significance. Last evaluated: 2024-11-18. Review status: criteria provided, single submitter. Criteria: LabCorp Variant Classification Summary - May 2015. Collection method: clinical testing. Allele origin: germline.
Comment: Variant summary: HIVEP2 c.6736A>G (p.Ser2246Gly) results in a non-conservative amino acid change in the encoded protein sequence. Four of five in-silico tools predict a benign effect of the variant on protein function. The variant was absent in 249518 control chromosomes. The available data on variant occurrences in the general population are insufficient to allow any conclusion about variant significance. To our knowledge, no occurrence of c.6736A>G in individuals affected with Intellectual Disability, Autosomal Dominant 43 and no experimental evidence demonstrating its impact on protein function have been reported. No submitters have cited clinical-significance assessments for this variant to ClinVar. Based on the evidence outlined above, the variant was classified as uncertain significance.

NM_006734.4(HIVEP2):c.6736A>G (p.Ser2246Gly)

Gene: HIVEP2 (HIVEP zinc finger 2; minus strand). Cytogenetic location: 6q24.2.
Variant type: single nucleotide variant.
Coding change: c.6736A>G on transcript NM_006734.4 (MANE Select); coding-DNA position 6736, A replaced by G.
Protein change: p.Ser2246Gly; replaces serine 2246 with glycine.
Molecular consequence: missense variant.
Genome position (GRCh38, 1-based): chr6:142,753,712, T>C on the plus strand (A>G on the coding strand, the complement: HIVEP2 is on the minus strand). VCF-style: chr6-142753712-T-C. GRCh37 (hg19) VCF-style: chr6-143074849-T-C.
Other names: short protein forms S2246G.
Identifiers: ClinVar variation 3630035 (VCV003630035.1).